The following is an entry in ClinVar:

NM_173689.7(CRB2):c.3578G>A (p.Gly1193Glu)

Gene: CRB2 (crumbs cell polarity complex component 2; plus strand). Cytogenetic location: 9q33.3.
Variant type: single nucleotide variant.
Coding change: c.3578G>A on transcript NM_173689.7 (MANE Select); coding-DNA position 3578, G replaced by A.
Protein change: p.Gly1193Glu; replaces glycine 1193 with glutamic acid.
Molecular consequence: missense variant. On other transcripts: non-coding transcript variant (1).
Genome position (GRCh38, 1-based): chr9:123,375,288, G>A. VCF-style: chr9-123375288-G-A. GRCh37 (hg19) VCF-style: chr9-126137567-G-A.
Other names: c.3578G>A (NM_173689.5); short protein forms G1193E.
Identifiers: ClinVar variation 1723507 (VCV001723507.3), dbSNP rs369651593, ClinGen allele CA5232539.

ClinVar aggregate classification (germline): Uncertain significance. Review status: criteria provided, multiple submitters, no conflicts (2 of 4 stars). 2 submissions from 2 submitters: Uncertain significance (2). Last evaluated 2025-07-12.

Conditions:
Inborn genetic diseases. Identifiers: MedGen C0950123, MeSH D030342.

Allele frequency attached by ClinVar (database versions not stated): gnomAD exomes 0.00001; ExAC 0.00003; ESP Exome Variant Server 0.00008; gnomAD 0.00008; TOPMed 0.00008; 1000 Genomes Project 30x 0.00016; 1000 Genomes Project 0.00020.
gnomAD v4.1: 22 of 1,612,130 alleles (0.0014%); highest among the groups gnomAD compares: African/African-American, 0.024%; no homozygotes.

Submissions (2):

Ambry Genetics
Classification: Uncertain significance for Inborn genetic diseases. Last evaluated: 2025-07-12. Review status: criteria provided, single submitter. Criteria: Ambry Variant Classification Scheme 2023. Collection method: clinical testing. Allele origin: germline.

GeneDx
Classification: Uncertain significance. Last evaluated: 2022-05-12. Review status: criteria provided, single submitter. Criteria: GeneDx Variant Classification Process June 2021. Collection method: clinical testing. Allele origin: germline. Affected: yes.
Comment: In silico analysis supports that this missense variant does not alter protein structure/function; Has not been previously published as pathogenic or benign to our knowledge